The following is an entry in ClinVar:

NM_002878.4(RAD51D):c.535C>G (p.Leu179Val)

Genes: RAD51D (RAD51 paralog D; minus strand), RAD51L3-RFFL (RAD51L3-RFFL readthrough; minus strand). Cytogenetic location: 17q12.
Variant type: single nucleotide variant.
Coding change: c.535C>G on transcript NM_002878.4 (MANE Select); coding-DNA position 535, C replaced by G.
Protein change: p.Leu179Val; replaces leucine 179 with valine.
Molecular consequence: missense variant. On other transcripts: non-coding transcript variant (3).
Genome position (GRCh38, 1-based): chr17:35,106,427, G>C on the plus strand (C>G on the coding strand, the complement: RAD51D is on the minus strand). VCF-style: chr17-35106427-G-C. GRCh37 (hg19) VCF-style: chr17-33433446-G-C.
Other names: c.595C>G, p.Leu199Val (NM_001142571.2); c.199C>G, p.Leu67Val (NM_133629.3); short protein forms L67V, L179V, L199V.
Identifiers: ClinVar variation 657969 (VCV000657969.5), dbSNP rs1597861729, ClinGen allele CA399088734.
Genomic context (GRCh38, chr17:35,106,427, plus strand): 5'-GGCAGAACAGCAGGCTCACCTGCTGGGCCACAGTGCCTCGGAGCTCCTGCAGCACATCCA[G>C]CATCTGGAAGATGTCAAATGCATGCACCACCTGGATCCTCCGGAGAGCTTCTGCCTGAAG-3'
Protein context (NP_002869.3, residues 169-189): VVHAFDIFQM[Leu179Val]DVLQELRGTV

ClinVar aggregate classification (germline): Uncertain significance (1 of 4 stars; one submission).

Conditions:
Breast-ovarian cancer, familial, susceptibility to, 4. Identifiers: Orphanet 145, MedGen C3280345, MONDO:0013669, OMIM 614291.

Allele frequency attached by ClinVar (database versions not stated): gnomAD exomes below 0.00001.
gnomAD v4.1: 3 of 1,613,422 alleles (0.00019%); highest among the groups gnomAD compares: Non-Finnish European, 0.00025%; no homozygotes.

Submission:

Labcorp Genetics (formerly Invitae), Labcorp
Classification: Uncertain significance for Breast-ovarian cancer, familial, susceptibility to, 4. Last evaluated: 2023-09-05. Review status: criteria provided, single submitter. Criteria: Invitae Variant Classification Sherloc (09022015). Collection method: clinical testing. Allele origin: germline.
Comment: In summary, the available evidence is currently insufficient to determine the role of this variant in disease. Therefore, it has been classified as a Variant of Uncertain Significance. This sequence change replaces leucine, which is neutral and non-polar, with valine, which is neutral and non-polar, at codon 179 of the RAD51D protein (p.Leu179Val). This variant is not present in population databases (gnomAD no frequency). This missense change has been observed in individual(s) with ovarian cancer (PMID: 26261251). ClinVar contains an entry for this variant (Variation ID: 657969). Advanced modeling of protein sequence and biophysical properties (such as structural, functional, and spatial information, amino acid conservation, physicochemical variation, residue mobility, and thermodynamic stability) performed at Invitae indicates that this missense variant is not expected to disrupt RAD51D protein function.

Literature cited by the submitters: PubMed 26261251.